The following is an entry in ClinVar:

NM_001355436.2(SPTB):c.2132_2145del (p.His711fs)

Gene: SPTB (spectrin beta, erythrocytic; minus strand). Cytogenetic location: 14q23.3.
Variant type: Deletion.
Coding change: c.2132_2145del on transcript NM_001355436.2 (MANE Select); coding-DNA positions 2132 to 2145, 14 bases deleted (ACCCGCAGATCGAG).
Protein change: p.His711fs; shifts the reading frame from histidine 711.
Molecular consequence: frameshift variant.
Genome position (GRCh38, 1-based): chr14:64,793,518-64,793,531, CTCGATCTGCGGGT deleted on the plus strand (ACCCGCAGATCGAG on the coding strand, the reverse complement: SPTB is on the minus strand). VCF-style (leftmost placement, unchanged base first): chr14-64793517-CCTCGATCTGCGGGT-C. GRCh37 (hg19) VCF-style: chr14-65260235-CCTCGATCTGCGGGT-C.
Other names: c.2132_2145del, p.His711fs (NM_001355437.2, NM_001024858.4); short protein forms H711fs.
Identifiers: ClinVar variation 2706117 (VCV002706117.3), dbSNP rs2503160291, ClinGen allele CA2697553960.

ClinVar aggregate classification (germline): Pathogenic (1 of 4 stars; one submission).

Submission:

Labcorp Genetics (formerly Invitae), Labcorp
Classification: Pathogenic. Last evaluated: 2023-12-28. Review status: criteria provided, single submitter. Criteria: Invitae Variant Classification Sherloc (09022015). Collection method: clinical testing. Allele origin: germline.
Comment: This sequence change creates a premature translational stop signal (p.His711Argfs*28) in the SPTB gene. It is expected to result in an absent or disrupted protein product. Loss-of-function variants in SPTB are known to be pathogenic (PMID: 1391962, 1498324, 8844207, 26830532, 27292444). This variant is not present in population databases (gnomAD no frequency). This variant has not been reported in the literature in individuals affected with SPTB-related conditions. For these reasons, this variant has been classified as Pathogenic.

Literature cited by the submitters: PubMed 1391962; PubMed 1498324; PubMed 8844207; PubMed 26830532; PubMed 27292444.